The following is an entry in ClinVar:

NM_015474.4(SAMHD1):c.62C>T (p.Thr21Ile)

Gene: SAMHD1 (SAM and HD domain containing deoxynucleoside triphosphate triphosphohydrolase 1; minus strand). Cytogenetic location: 20q11.23.
Variant type: single nucleotide variant.
Coding change: c.62C>T on transcript NM_015474.4 (MANE Select); coding-DNA position 62, C replaced by T.
Protein change: p.Thr21Ile; replaces threonine 21 with isoleucine.
Molecular consequence: missense variant.
Genome position (GRCh38, 1-based): chr20:36,951,582, G>A on the plus strand (C>T on the coding strand, the complement: SAMHD1 is on the minus strand). VCF-style: chr20-36951582-G-A. GRCh37 (hg19) VCF-style: chr20-35579985-G-A.
Other names: c.62C>T, p.Thr21Ile (NM_001363729.2, NM_001363733.2); short protein forms T21I.
Identifiers: ClinVar variation 1364551 (VCV001364551.5), dbSNP rs760912458, ClinGen allele CA408832608.

ClinVar aggregate classification (germline): Uncertain significance (1 of 4 stars; one submission).

Conditions:
Aicardi-Goutieres syndrome 5. Identifiers: Orphanet 51, MedGen C2749659, MONDO:0013059, OMIM 612952.

Allele frequency attached by ClinVar (database versions not stated): gnomAD 0.00001.
gnomAD v4.1: 2 of 1,614,072 alleles (0.00012%); highest among the groups gnomAD compares: South Asian, 0.0011%; no homozygotes.

Submission:

Labcorp Genetics (formerly Invitae), Labcorp
Classification: Uncertain significance for Aicardi-Goutieres syndrome 5. Last evaluated: 2022-09-12. Review status: criteria provided, single submitter. Criteria: Invitae Variant Classification Sherloc (09022015). Collection method: clinical testing. Allele origin: germline.
Comment: This sequence change replaces threonine, which is neutral and polar, with isoleucine, which is neutral and non-polar, at codon 21 of the SAMHD1 protein (p.Thr21Ile). This variant is not present in population databases (gnomAD no frequency). This variant has not been reported in the literature in individuals affected with SAMHD1-related conditions. ClinVar contains an entry for this variant (Variation ID: 1364551). Algorithms developed to predict the effect of missense changes on protein structure and function are either unavailable or do not agree on the potential impact of this missense change (SIFT: "Tolerated"; PolyPhen-2: "Possibly Damaging"; Align-GVGD: "Class C0"). In summary, the available evidence is currently insufficient to determine the role of this variant in disease. Therefore, it has been classified as a Variant of Uncertain Significance.